The following is an entry in ClinVar:

ClinVar aggregate classification (germline): Uncertain significance (1 of 4 stars; one submission).

Conditions:
PLXNA2-related disorder. Also called: PLXNA2-related condition.

gnomAD v4.1: 3 of 1,614,186 alleles (0.00019%); highest among the groups gnomAD compares: African/African-American, 0.004%; no homozygotes.

Submission:

PreventionGenetics, part of Exact Sciences
Classification: Uncertain significance for PLXNA2-related condition. Last evaluated: 2025-11-13. Review status: criteria provided, single submitter. Criteria: ACMG Guidelines, 2015. Collection method: clinical testing. Allele origin: germline.
Comment: The PLXNA2 c.986C>T variant is predicted to result in the amino acid substitution p.Thr329Ile. To our knowledge, this variant has not been reported in the literature. This variant is reported in 0.0% of alleles in individuals of African descent in gnomAD. At this time, the clinical significance of this variant is uncertain due to the absence of conclusive functional and genetic evidence.

NM_025179.4(PLXNA2):c.986C>T (p.Thr329Ile)

Gene: PLXNA2 (plexin A2; minus strand). Cytogenetic location: 1q32.2.
Variant type: single nucleotide variant.
Coding change: c.986C>T on transcript NM_025179.4 (MANE Select); coding-DNA position 986, C replaced by T.
Protein change: p.Thr329Ile; replaces threonine 329 with isoleucine.
Molecular consequence: missense variant.
Genome position (GRCh38, 1-based): chr1:208,216,937, G>A on the plus strand (C>T on the coding strand, the complement: PLXNA2 is on the minus strand). VCF-style: chr1-208216937-G-A. GRCh37 (hg19) VCF-style: chr1-208390282-G-A.
Other names: short protein forms T329I.
Identifiers: ClinVar variation 4998243 (VCV004998243.1).